The following is an entry in ClinVar:

ClinVar aggregate classification (germline): Uncertain significance (1 of 4 stars; one submission).

Conditions:
Cutis laxa, autosomal dominant 3 (ADCL3). Identifiers: Orphanet 90348, MedGen C4225268, MONDO:0014706, OMIM 616603.
Autosomal dominant spastic paraplegia type 9. Identifiers: MedGen C1832669, MONDO:0015091.
de Barsy syndrome. Also called: Cutis laxa-corneal clouding-oligophrenia syndrome. Identifiers: Orphanet 2962, MedGen C0268354, MONDO:0017569.

Submission:

Labcorp Genetics (formerly Invitae), Labcorp
Classification: Uncertain significance for Autosomal dominant spastic paraplegia type 9; de Barsy syndrome; Cutis laxa, autosomal dominant 3. Last evaluated: 2023-01-30. Review status: criteria provided, single submitter. Criteria: Invitae Variant Classification Sherloc (09022015). Collection method: clinical testing. Allele origin: germline.
Comment: This sequence change replaces serine, which is neutral and polar, with threonine, which is neutral and polar, at codon 744 of the ALDH18A1 protein (p.Ser744Thr). This variant is not present in population databases (gnomAD no frequency). This variant has not been reported in the literature in individuals affected with ALDH18A1-related conditions. Advanced modeling of protein sequence and biophysical properties (such as structural, functional, and spatial information, amino acid conservation, physicochemical variation, residue mobility, and thermodynamic stability) performed at Invitae indicates that this missense variant is not expected to disrupt ALDH18A1 protein function. In summary, the available evidence is currently insufficient to determine the role of this variant in disease. Therefore, it has been classified as a Variant of Uncertain Significance.

NM_002860.4(ALDH18A1):c.2230T>A (p.Ser744Thr)

Gene: ALDH18A1 (aldehyde dehydrogenase 18 family member A1; minus strand). Cytogenetic location: 10q24.1.
Variant type: single nucleotide variant.
Coding change: c.2230T>A on transcript NM_002860.4 (MANE Select); coding-DNA position 2230, T replaced by A.
Protein change: p.Ser744Thr; replaces serine 744 with threonine.
Molecular consequence: missense variant.
Genome position (GRCh38, 1-based): chr10:95,606,920, A>T on the plus strand (T>A on the coding strand, the complement: ALDH18A1 is on the minus strand). VCF-style: chr10-95606920-A-T. GRCh37 (hg19) VCF-style: chr10-97366677-A-T.
Other names: c.2224T>A, p.Ser742Thr (NM_001017423.2, NM_001323415.2); c.1897T>A, p.Ser633Thr (NM_001323412.2, NM_001323416.2); c.2230T>A, p.Ser744Thr (NM_001323413.2, NM_001323414.2); c.2125T>A, p.Ser709Thr (NM_001323417.2); c.1891T>A, p.Ser631Thr (NM_001323418.2); c.1594T>A, p.Ser532Thr (NM_001323419.2); short protein forms S532T, S631T, S709T, S744T, S633T, S742T.
Identifiers: ClinVar variation 2940833 (VCV002940833.3), dbSNP rs2526672768, ClinGen allele CA377699122.